The following is an entry in ClinVar:

NM_000628.5(IL10RB):c.830C>T (p.Thr277Ile)

Genes: IFNAR2-IL10RB (IFNAR2-IL10RB readthrough; plus strand), IL10RB (interleukin 10 receptor subunit beta; plus strand). Cytogenetic location: 21q22.11.
Variant type: single nucleotide variant.
Coding change: c.830C>T on transcript NM_000628.5 (MANE Select); coding-DNA position 830, C replaced by T.
Protein change: p.Thr277Ile; replaces threonine 277 with isoleucine.
Molecular consequence: missense variant.
Genome position (GRCh38, 1-based): chr21:33,296,209, C>T. VCF-style: chr21-33296209-C-T. GRCh37 (hg19) VCF-style: chr21-34668514-C-T.
Other names: short protein forms T277I.
Identifiers: ClinVar variation 1010808 (VCV001010808.10), dbSNP rs756566292, ClinGen allele CA410096185.

ClinVar aggregate classification (germline): Uncertain significance (1 of 4 stars; one submission).

Conditions:
Inflammatory bowel disease 25. Also called: Inflammatory bowel disease 25, early onset, autosomal recessive. Identifiers: Orphanet 238569, MedGen C2675508, MONDO:0012941, OMIM 612567.

gnomAD v4.1: 1 of 1,614,020 alleles (0.000062%); highest among the groups gnomAD compares: Non-Finnish European, 0.000085%; no homozygotes.

Submission:

Labcorp Genetics (formerly Invitae), Labcorp
Classification: Uncertain significance for Inflammatory bowel disease 25. Last evaluated: 2020-01-20. Review status: criteria provided, single submitter. Criteria: Invitae Variant Classification Sherloc (09022015). Collection method: clinical testing. Allele origin: germline.
Comment: In summary, the available evidence is currently insufficient to determine the role of this variant in disease. Therefore, it has been classified as a Variant of Uncertain Significance. Algorithms developed to predict the effect of missense changes on protein structure and function are either unavailable or do not agree on the potential impact of this missense change (SIFT: "Deleterious"; PolyPhen-2: "Benign"; Align-GVGD: "Class C0"). This variant has not been reported in the literature in individuals with IL10RB-related conditions. This variant is not present in population databases (ExAC no frequency). This sequence change replaces threonine with isoleucine at codon 277 of the IL10RB protein (p.Thr277Ile). The threonine residue is moderately conserved and there is a moderate physicochemical difference between threonine and isoleucine.